The following is an entry in ClinVar:

NM_006660.5(CLPX):c.956_957del (p.Cys319fs)

Gene: CLPX (caseinolytic mitochondrial matrix peptidase chaperone subunit X; minus strand). Cytogenetic location: 15q22.31.
Variant type: Deletion.
Coding change: c.956_957del on transcript NM_006660.5 (MANE Select); coding-DNA positions 956 to 957, 2 bases deleted (GT; older notation c.956_957delGT).
Protein change: p.Cys319fs; shifts the reading frame from cysteine 319.
Molecular consequence: frameshift variant. On other transcripts: non-coding transcript variant (1).
Genome position (GRCh38, 1-based): chr15:65,157,846-65,157,847, AC deleted on the plus strand (GT on the coding strand, the reverse complement: CLPX is on the minus strand); deleting any 2 consecutive bases within chr15:65,157,846-65,157,848 gives the same sequence; the c. name uses the placement nearest the transcript's 3' end. VCF-style (leftmost placement, unchanged base first): chr15-65157845-TAC-T. GRCh37 (hg19) VCF-style: chr15-65450183-TAC-T.
Other names: short protein forms C319fs.
Identifiers: ClinVar variation 4883983 (VCV004883983.2).
Genomic context (GRCh38, chr15:65,157,845, plus strand): 5'-GTAGTTTTGCAATCACAGATTCAATATCTTCGCCTACATATCCAGCCTGAGTCAAAGTTG[TAC>T]AGTCACAGATAGCAAAAGGGACATCAAGGCATTTAGCTAGGGTTTGTGCCAGCAGAGTTT-3'

ClinVar aggregate classification (germline): Uncertain significance (1 of 4 stars; one submission).

Conditions:
Protoporphyria, erythropoietic, 2 (EPP2). Identifiers: MedGen C4693947, MONDO:0060729, OMIM 618015.

Submission:

Dasa
Classification: Uncertain significance for Protoporphyria, erythropoietic, 2. Last evaluated: 2025-12-11. Review status: criteria provided, single submitter. Criteria: DASA Assertion Criteria. Collection method: clinical testing. Allele origin: germline.
Comment: NM_006660.5(CLPX):c.956_957del (p.Cys319Tyrfs*14) is a frameshift variant in CLPX predicted to alter the reading frame and introduce a premature termination codon. This variant is rare in population databases. The currently available literature and clinical evidence are not sufficient to establish a definitive association between this variant and the reported condition. Therefore, this variant is classified as a variant of uncertain significance.